The following is an entry in ClinVar:

NM_001163560.3(MEIOB):c.1306-5C>T

Genes: FAHD1 (FAH domain containing oxaloacetate decarboxylase 1; plus strand), MEIOB (meiosis specific with OB-fold; minus strand). Cytogenetic location: 16p13.3.
Variant type: single nucleotide variant.
Coding change: c.1306-5C>T on transcript NM_001163560.3 (MANE Select); 5 bases into the intron before coding-DNA position 1306, C replaced by T.
Molecular consequence: intron variant.
Genome position (GRCh38, 1-based): chr16:1,834,371, G>A on the plus strand (C>T on the coding strand, the complement: MEIOB is on the minus strand). VCF-style: chr16-1834371-G-A. GRCh37 (hg19) VCF-style: chr16-1884372-G-A.
Other names: NC_000016.9:g.1884372G>A; c.628-3645G>A (NM_001018104.3); c.628-4891G>A (NM_001142398.2); c.1219-5C>T (NM_152764.3).
Identifiers: ClinVar variation 715773 (VCV000715773.17), dbSNP rs188233779, ClinGen allele CA7821712.

ClinVar aggregate classification (germline): Benign/Likely benign. Review status: criteria provided, multiple submitters, no conflicts (2 of 4 stars). 3 submissions from 3 submitters: Benign (2); Likely benign (1). Last evaluated 2025-06-01.

Allele frequency attached by ClinVar (database versions not stated): 1000 Genomes Project 0.00280; TOPMed 0.00348; gnomAD 0.00355 and 0.00353; gnomAD exomes 0.00366; ESP Exome Variant Server 0.00323; ExAC 0.00386.
gnomAD v4.1: 6,973 of 1,484,288 alleles (0.47%); highest among the groups gnomAD compares: South Asian, 0.54%; 30 homozygotes.

Submissions (7):

CeGaT Center for Human Genetics Tuebingen
Classification: Likely benign. Last evaluated: 2025-06-01. Review status: criteria provided, single submitter. Criteria: CeGaT Center For Human Genetics Tuebingen Variant Classification Criteria Version 2. Collection method: clinical testing. Allele origin: germline. Affected: yes. Observed: 1 variant allele.
Comment: MEIOB: BP4, BS2

Labcorp Genetics (formerly Invitae), Labcorp
Classification: Benign. Last evaluated: 2018-07-19. Review status: criteria provided, single submitter. Criteria: Invitae Variant Classification Sherloc (09022015). Collection method: clinical testing. Allele origin: germline.

Breakthrough Genomics
Classification: Benign. Review status: criteria provided, single submitter. Criteria: ACMG Guidelines, 2015. Collection method: not provided. Allele origin: germline. Inheritance: Autosomal recessive inheritance. Affected: yes.

Dr. Peter K. Rogan Lab, Western University
No classification provided (evidence only). Condition: Acute myeloid leukemia. Review status: no classification provided. Collection method: in vitro. Allele origin: not applicable. Functional consequence: retained intron. Not counted in ClinVar's aggregate classification.

Dr. Peter K. Rogan Lab, Western University
No classification provided (evidence only). Condition: Sarcoma. Review status: no classification provided. Collection method: in vitro. Allele origin: not applicable. Functional consequence: retained intron. Not counted in ClinVar's aggregate classification.

Dr. Peter K. Rogan Lab, Western University
No classification provided (evidence only). Condition: Malignant lymphoma, large B-cell, diffuse. Review status: no classification provided. Collection method: in vitro. Allele origin: not applicable. Functional consequence: retained intron. Not counted in ClinVar's aggregate classification.

Dr. Peter K. Rogan Lab, Western University
No classification provided (evidence only). Condition: Gastric cancer. Review status: no classification provided. Collection method: in vitro. Allele origin: not applicable. Functional consequence: retained intron. Not counted in ClinVar's aggregate classification.